The following is an entry in ClinVar:

ClinVar aggregate classification (germline): Uncertain significance (1 of 4 stars; one submission).

Submission:

Dasa
Classification: Uncertain significance. Last evaluated: 2026-02-10. Review status: criteria provided, single submitter. Criteria: DASA Assertion Criteria. Collection method: clinical testing. Allele origin: germline.
Comment: NM_152588.3(TMTC2):c.464del (p.Tyr155Serfs*36) is a frameshift variant in TMTC2 predicted to alter the reading frame and introduce a premature termination codon. This variant is rare in population databases. The currently available literature and clinical evidence are not sufficient to establish a definitive association between this variant and the reported condition. Therefore, this variant is classified as a variant of uncertain significance.

NM_152588.3(TMTC2):c.464del (p.Tyr155fs)

Gene: TMTC2 (transmembrane O-mannosyltransferase targeting cadherins 2; plus strand). Cytogenetic location: 12q21.31.
Variant type: Deletion.
Coding change: c.464del on transcript NM_152588.3 (MANE Select); coding-DNA position 464, one base deleted (A; older notation c.464delA).
Protein change: p.Tyr155fs; shifts the reading frame from tyrosine 155.
Molecular consequence: frameshift variant. On other transcripts: intron variant (1).
Genome position (GRCh38, 1-based): chr12:82,857,390, A deleted. VCF-style (leftmost placement, unchanged base first): chr12-82857389-TA-T. GRCh37 (hg19) VCF-style: chr12-83251168-TA-T.
Other names: c.464del, p.Tyr155fs (NM_001320322.2); c.-81-38428del (NM_001320321.2); short protein forms Y155fs.
Identifiers: ClinVar variation 4886278 (VCV004886278.2).